The following is an entry in ClinVar:

ClinVar aggregate classification (germline): Uncertain significance (1 of 4 stars; one submission).

gnomAD v4.1: 17 of 1,612,380 alleles (0.0011%); highest among the groups gnomAD compares: Admixed American, 0.005%; no homozygotes.

Submission:

Dasa
Classification: Uncertain significance. Last evaluated: 2026-04-14. Review status: criteria provided, single submitter. Criteria: DASA Assertion Criteria. Collection method: clinical testing. Allele origin: germline.
Comment: NM_002945.5(RPA1):c.760-4G>A is a splice-region variant predicted to affect normal RNA splicing. This variant is rare in population databases. Computational prediction algorithms are consistent with a deleterious effect. The currently available literature and clinical evidence are not sufficient to establish a definitive association between this variant and the reported condition. Therefore, this variant is classified as a variant of uncertain significance.

NM_002945.5(RPA1):c.760-4G>A

Gene: RPA1 (replication protein A1; plus strand). Cytogenetic location: 17p13.3.
Variant type: single nucleotide variant.
Coding change: c.760-4G>A on transcript NM_002945.5 (MANE Select); 4 bases into the intron before coding-DNA position 760, G replaced by A.
Molecular consequence: intron variant.
Genome position (GRCh38, 1-based): chr17:1,879,211, G>A. VCF-style: chr17-1879211-G-A. GRCh37 (hg19) VCF-style: chr17-1782505-G-A.
Other names: c.721-4G>A (NM_001355120.2); c.760-4G>A (NM_001355121.2).
Identifiers: ClinVar variation 4886632 (VCV004886632.2).